The following is an entry in ClinVar:

NM_006005.3(WFS1):c.1491C>T (p.Val497=)

Gene: WFS1 (wolframin ER transmembrane glycoprotein; plus strand). Cytogenetic location: 4p16.1.
Variant type: single nucleotide variant.
Coding change: c.1491C>T on transcript NM_006005.3 (MANE Select); coding-DNA position 1491, C replaced by T.
Protein change: p.Val497=; no amino-acid change (valine 497 retained).
Molecular consequence: synonymous variant.
Genome position (GRCh38, 1-based): chr4:6,301,286, C>T. VCF-style: chr4-6301286-C-T. GRCh37 (hg19) VCF-style: chr4-6303013-C-T.
Other names: c.1491C>T, p.Val497= (NM_001145853.1).
Identifiers: ClinVar variation 166590 (VCV000166590.21), dbSNP rs148310584, ClinGen allele CA295572.

ClinVar aggregate classification (germline): Benign/Likely benign. Review status: criteria provided, multiple submitters, no conflicts (2 of 4 stars). 9 submissions from 9 submitters: Benign (3); Likely benign (2). 4 of the submissions do not count toward it. Last evaluated 2026-01-17.

Conditions:
Wolfram syndrome 1 (WFS1). Identifiers: Orphanet 3463, MedGen C4551693, MONDO:0009101, OMIM 222300.
WFS1-related disorder. Identifiers: MedGen CN379391, MONDO:0700293.

Allele frequency attached by ClinVar (database versions not stated): gnomAD 0.00151 and 0.00145; 1000 Genomes Project 0.00200; 1000 Genomes Project 30x 0.00203; gnomAD exomes 0.00017 and 0.00030; ExAC 0.00041; ESP Exome Variant Server 0.00123; TOPMed 0.00132.

Submissions (9):

Labcorp Genetics (formerly Invitae), Labcorp
Classification: Benign. Last evaluated: 2026-01-17. Review status: criteria provided, single submitter. Criteria: Invitae Variant Classification Sherloc (09022015). Collection method: clinical testing. Allele origin: germline.

Blueprint Genetics
Classification: Likely benign. Last evaluated: 2024-11-20. Review status: criteria provided, single submitter. Criteria: ACMG Guidelines, 2015. Collection method: clinical testing. Allele origin: germline.

Laboratory for Molecular Medicine, Mass General Brigham Personalized Medicine
Classification: Likely benign. Last evaluated: 2015-08-10. Review status: criteria provided, single submitter. Criteria: LMM Criteria. Collection method: clinical testing. Allele origin: germline. Observed: 3 variant alleles.
Comment: p.Val497Val in exon 8 of WFS1: This variant is not expected to have clinical sig nificance because it does not alter an amino acid residue, is not located within the splice consensus sequence, and has been identified in 0.4% (45/10368) of Af rican chromosomes by the Exome Aggregation Consortium (ExAC; dbSNP rs148310584).

GeneDx
Classification: Benign. Last evaluated: 2014-09-16. Review status: criteria provided, single submitter. Criteria: GeneDx Variant Classification (06012015). Collection method: clinical testing. Allele origin: germline. Affected: yes.
Comment: This variant is considered likely benign or benign based on one or more of the following criteria: it is a conservative change, it occurs at a poorly conserved position in the protein, it is predicted to be benign by multiple in silico algorithms, and/or has population frequency not consistent with disease.

Clinical Genomics, Uppaluri K&H Personalized Medicine Clinic
Classification: Benign for Wolfram syndrome 1. Review status: criteria provided, single submitter. Criteria: K & H Uppaluri Personalized Medicine Clinic Variant Classification & Assertion Criteria_Updated V.1. Collection method: research. Allele origin: unknown. Inheritance: Autosomal recessive inheritance.
Comment: Potent mutations in WFS1 gene are associated with Wolfram's syndrome, an autosomal recessive condition, which cause diabetes mellitus, diabetes insipidus, deafness and optic atrophy. However no sufficient evidence is found to ascertain the role of this particular variant rs148310584 in Wolfram's syndrome yet.

PreventionGenetics, part of Exact Sciences
Classification: Likely benign for WFS1-related condition. Last evaluated: 2020-03-04. Review status: no assertion criteria provided. Collection method: clinical testing. Allele origin: germline. Not counted in ClinVar's aggregate classification.
Comment: This variant is classified as likely benign based on ACMG/AMP sequence variant interpretation guidelines (Richards et al. 2015 PMID: 25741868, with internal and published modifications).

Clinical Genetics DNA and cytogenetics Diagnostics Lab, Erasmus MC, Erasmus Medical Center
Classification: Likely benign. Review status: no assertion criteria provided. Collection method: clinical testing. Allele origin: germline. Affected: yes. Study: VKGL Data-share Consensus. Not counted in ClinVar's aggregate classification.

Clinical Genetics, Academic Medical Center
Classification: Likely benign. Review status: no assertion criteria provided. Collection method: clinical testing. Allele origin: germline. Affected: yes. Study: VKGL Data-share Consensus. Not counted in ClinVar's aggregate classification.

Laboratory of Diagnostic Genome Analysis, Leiden University Medical Center (LUMC)
Classification: Likely benign. Review status: no assertion criteria provided. Collection method: clinical testing. Allele origin: germline. Affected: yes. Study: VKGL Data-share Consensus. Not counted in ClinVar's aggregate classification.

Literature cited by the submitters: PubMed 20738327 (cited by Clinical Genomics, Uppaluri K&H Personalized Medicine Clinic); PubMed 33879153 (cited by Clinical Genomics, Uppaluri K&H Personalized Medicine Clinic); PubMed 12955714 (cited by Clinical Genomics, Uppaluri K&H Personalized Medicine Clinic); PubMed 18060660 (cited by Clinical Genomics, Uppaluri K&H Personalized Medicine Clinic); PubMed 20301750 (cited by Clinical Genomics, Uppaluri K&H Personalized Medicine Clinic); PubMed 17603484 (cited by Clinical Genomics, Uppaluri K&H Personalized Medicine Clinic).